The following is an entry in ClinVar:

ClinVar aggregate classification (germline): Pathogenic. Review status: reviewed by expert panel (3 of 4 stars). 10 submissions from 10 submitters: Pathogenic (1). 9 of the submissions do not count toward it. Last evaluated 2016-09-08.

Conditions:
Hereditary cancer-predisposing syndrome. Also called: Tumor predisposition; Neoplastic Syndromes, Hereditary; Hereditary Cancer Syndrome; Hereditary neoplastic syndrome. Identifiers: Orphanet 140162, MedGen C0027672, MeSH D009386, MONDO:0015356.
Hereditary breast ovarian cancer syndrome. Also called: Hereditary breast and/or ovarian cancer syndrome; Hereditary breast and ovarian cancer; Hereditary breast and ovarian cancer syndrome (HBOC); BRCA1- and BRCA2-Associated Hereditary Breast and Ovarian Cancer; Breast and ovarian cancer; Hereditary breast and ovarian cancer syndrome. Identifiers: Orphanet 145, MedGen C0677776, MeSH D061325, MONDO:0003582. Disease mechanism: loss of function.
Breast-ovarian cancer, familial, susceptibility to, 2 (BROVCA2). Also called: BRCA2 Hereditary Breast and Ovarian Cancer. Identifiers: Orphanet 145, MedGen C2675520, MONDO:0012933, OMIM 612555. Disease mechanism: loss of function.

Submissions (10):

Evidence-based Network for the Interpretation of Germline Mutant Alleles (ENIGMA)
Classification: Pathogenic for Breast-ovarian cancer, familial, susceptibility to, 2. Last evaluated: 2016-09-08. Review status: reviewed by expert panel. Criteria: ENIGMA BRCA1/2 Classification Criteria (2015). Collection method: curation. Allele origin: germline.
Comment: Variant allele predicted to encode a truncated non-functional protein.

Labcorp Genetics (formerly Invitae), Labcorp
Classification: Pathogenic for Hereditary breast ovarian cancer syndrome. Last evaluated: 2025-07-31. Review status: criteria provided, single submitter. Criteria: Invitae Variant Classification Sherloc (09022015). Collection method: clinical testing. Allele origin: germline. Not counted in ClinVar's aggregate classification.
Comment: This sequence change creates a premature translational stop signal (p.Glu2226Serfs*6) in the BRCA2 gene. It is expected to result in an absent or disrupted protein product. Loss-of-function variants in BRCA2 are known to be pathogenic (PMID: 20104584). This variant is not present in population databases (gnomAD no frequency). This premature translational stop signal has been observed in individual(s) with a personal or family history of breast, ovarian, or pancreatic cancer (PMID: 27882536, 28008555, 29446198). ClinVar contains an entry for this variant (Variation ID: 52153). For these reasons, this variant has been classified as Pathogenic.

Ambry Genetics
Classification: Pathogenic for Hereditary cancer-predisposing syndrome. Last evaluated: 2024-02-09. Review status: criteria provided, single submitter. Criteria: Ambry Variant Classification Scheme 2023. Collection method: clinical testing. Allele origin: germline. Not counted in ClinVar's aggregate classification.
Comment: The c.6676_6677delGA pathogenic mutation, located in coding exon 10 of the BRCA2 gene, results from a deletion of two nucleotides at nucleotide positions 6676 to 6677, causing a translational frameshift with a predicted alternate stop codon (p.E2226Sfs*6). This alteration was identified in 1/527 index patients with either breast, ovarian, or pancreatic cancer. This alteration was also identified in a large, worldwide study of BRCA1/2 mutation positive families (Rebbeck TR et al. Hum. Mutat. 2018 05;39:593-620). In addition to the clinical data presented in the literature, this alteration is expected to result in loss of function by premature protein truncation or nonsense-mediated mRNA decay. As such, this alteration is interpreted as a disease-causing mutation.

GeneDx
Classification: Pathogenic. Last evaluated: 2023-09-22. Review status: criteria provided, single submitter. Criteria: GeneDx Variant Classification Process June 2021. Collection method: clinical testing. Allele origin: germline. Affected: yes. Not counted in ClinVar's aggregate classification.
Comment: Frameshift variant predicted to result in protein truncation or nonsense mediated decay in a gene for which loss of function is a known mechanism of disease; Identified in individuals with a personal or family history consistent with pathogenic variants in this gene in published literature (Loizidou et al., 2017; Ibrahim et al., 2018; Pritzlaff et al., 2017); Not observed at significant frequency in large population cohorts (gnomAD); Truncating variants in this gene are considered pathogenic by a well-established clinical consortium and/or database; Also known as 6904_6905del; This variant is associated with the following publications: (PMID: 29446198, 29433453, 27882536, 28008555)

Sema4
Classification: Pathogenic for Hereditary cancer-predisposing syndrome. Last evaluated: 2021-07-24. Review status: criteria provided, single submitter. Criteria: Sema4 Curation Guidelines. Collection method: curation. Allele origin: germline. Not counted in ClinVar's aggregate classification.
Comment: The BRCA2 c.6676_6677delGA (p.E2226Sfs*6) variant has been reported in heterozygosity in at least three individuals with breast, ovarian, or pancreatic cancer (PMIDs: 27882536, 29433453, 29446198). This variant causes a frameshift at amino acid 2226 that results in premature termination 6 amino acids downstream. This variant is expected to result in an absent or non-functional protein product (loss of function). Loss of function variants in BRCA2 are known to be pathogenic (PMID: 29446198). This variant is not reported in the large and broad cohorts of Genome Aggregation Database (PMID: 32461654). This variant has been reported in ClinVar (Variation ID: 52153). Based on the current evidence available, this variant is interpreted as pathogenic.

Color Diagnostics, LLC DBA Color Health
Classification: Pathogenic for Hereditary cancer-predisposing syndrome. Last evaluated: 2020-03-02. Review status: criteria provided, single submitter. Criteria: ACMG Guidelines, 2015. Collection method: clinical testing. Allele origin: germline. Not counted in ClinVar's aggregate classification.
Comment: This variant deletes 2 nucleotides in exon 11 of the BRCA2 gene, creating a frameshift and premature translation stop signal. This variant is expected to result in an absent or non-functional protein product. To our knowledge, this variant has not been reported in individuals affected with hereditary cancer in the literature. This variant has not been identified in the general population by the Genome Aggregation Database (gnomAD). Loss of BRCA2 function is a known mechanism of disease. Based on the available evidence, this variant is classified as Pathogenic.

Quest Diagnostics Nichols Institute San Juan Capistrano
Classification: Pathogenic. Last evaluated: 2019-05-10. Review status: criteria provided, single submitter. Criteria: Quest Diagnostics criteria. Collection method: clinical testing. Allele origin: germline. Not counted in ClinVar's aggregate classification.
Comment: The variant results in a shift of the reading frame, and is therefore predicted to result in the loss of a functional protein. Found in at least one symptomatic patient, and not found in general population data.

Molecular Genetics Laboratory, University of Michigan
Classification: Pathogenic for Breast-ovarian cancer, familial, susceptibility to, 2. Last evaluated: 2016-04-21. Review status: criteria provided, single submitter. Criteria: ACMG Guidelines, 2015. Collection method: clinical testing. Allele origin: germline. Affected: yes. Not counted in ClinVar's aggregate classification.

Consortium of Investigators of Modifiers of BRCA1/2 (CIMBA), c/o University of Cambridge
Classification: Pathogenic for Breast-ovarian cancer, familial, susceptibility to, 2. Last evaluated: 2015-10-02. Review status: criteria provided, single submitter. Criteria: CIMBA Mutation Classification guidelines May 2016. Collection method: clinical testing. Allele origin: germline. Not counted in ClinVar's aggregate classification.

Breast Cancer Information Core (BIC) (BRCA2)
Classification: Pathogenic for Breast-ovarian cancer, familial 2. Last evaluated: 2004-02-20. Review status: no assertion criteria provided. Collection method: clinical testing. Allele origin: germline. Affected: yes. Observed: 1 variant allele. Not counted in ClinVar's aggregate classification.

Literature cited by the submitters: PubMed 20104584 (cited by Labcorp Genetics (formerly Invitae), Labcorp); PubMed 27882536 (cited by 3 submitters); PubMed 28008555 (cited by Labcorp Genetics (formerly Invitae), Labcorp and Quest Diagnostics Nichols Institute San Juan Capistrano); PubMed 29446198 (cited by 3 submitters); PubMed 29433453 (cited by Ambry Genetics).

NM_000059.4(BRCA2):c.6676_6677del (p.Glu2226fs)

Gene: BRCA2 (BRCA2 DNA repair associated; plus strand). Cytogenetic location: 13q13.1.
Variant type: Deletion.
Coding change: c.6676_6677del on transcript NM_000059.4 (MANE Select); coding-DNA positions 6676 to 6677, 2 bases deleted (GA; older notation c.6676_6677delGA).
Protein change: p.Glu2226fs; shifts the reading frame from glutamic acid 2226.
Molecular consequence: frameshift variant.
Genome position (GRCh38, 1-based): chr13:32,341,031-32,341,032, GA deleted; deleting any 2 consecutive bases within chr13:32,341,030-32,341,032 gives the same sequence; the c. name uses the placement nearest the transcript's 3' end. VCF-style (leftmost placement, unchanged base first): chr13-32341029-CAG-C. GRCh37 (hg19) VCF-style: chr13-32915166-CAG-C.
Other names: 6904delGA; c.6676_6677delGA (NM_000059.3).
Identifiers: ClinVar variation 52153 (VCV000052153.27), dbSNP rs80359619, ClinGen allele CA024279.
Genomic context (GRCh38, chr13:32,341,029, plus strand): 5'-TGAAAACAAATATAGAAGTTTGTTCTACTTACTCCAAAGATTCAGAAAACTACTTTGAAA[CAG>C]AAGCAGTAGAAATTGCTAAAGCTTTTATGGAAGATGATGAACTGACAGATTCTAAACTGC-3'